The following is an entry in ClinVar:

NM_018112.3(TMEM38B):c.15G>A (p.Trp5Ter)

Gene: TMEM38B (transmembrane protein 38B; plus strand). Cytogenetic location: 9q31.2.
Variant type: single nucleotide variant.
Coding change: c.15G>A on transcript NM_018112.3 (MANE Select); coding-DNA position 15, G replaced by A.
Protein change: p.Trp5Ter; replaces tryptophan 5 with a stop codon.
Molecular consequence: nonsense.
Genome position (GRCh38, 1-based): chr9:105,694,675, G>A. VCF-style: chr9-105694675-G-A. GRCh37 (hg19) VCF-style: chr9-108456956-G-A.
Other names: short protein forms W5*.
Identifiers: ClinVar variation 2988606 (VCV002988606.3), dbSNP rs1835212470, ClinGen allele CA374380729.
Genomic context (GRCh38, chr9:105,694,675, plus strand): 5'-GAACCAGTAGCCGCGGCTGCTTCGGTTGCCGCGGTCGGTGGTCGTTATGGATTCTCCATG[G>A]GACGAGTTGGCTCTGGCCTTCTCCCGCACGTCCATGTTTCCCTTTTTTGACATCGCGCAC-3'

ClinVar aggregate classification (germline): Pathogenic (1 of 4 stars; one submission).

Allele frequency attached by ClinVar (database versions not stated): TOPMed below 0.00001.
gnomAD v4.1: 1 of 1,613,890 alleles (0.000062%); no homozygotes.

Submission:

Labcorp Genetics (formerly Invitae), Labcorp
Classification: Pathogenic. Last evaluated: 2022-12-18. Review status: criteria provided, single submitter. Criteria: Invitae Variant Classification Sherloc (09022015). Collection method: clinical testing. Allele origin: germline.
Comment: This sequence change creates a premature translational stop signal (p.Trp5*) in the TMEM38B gene. It is expected to result in an absent or disrupted protein product. Loss-of-function variants in TMEM38B are known to be pathogenic (PMID: 17611541, 23054245). This variant is not present in population databases (gnomAD no frequency). This variant has not been reported in the literature in individuals affected with TMEM38B-related conditions. For these reasons, this variant has been classified as Pathogenic.

Literature cited by the submitters: PubMed 17611541; PubMed 23054245.